The following is an entry in ClinVar:

NM_001122764.3(PPOX):c.338+1G>A

Gene: PPOX (protoporphyrinogen oxidase; plus strand). Cytogenetic location: 1q23.3.
Variant type: single nucleotide variant.
Coding change: c.338+1G>A on transcript NM_001122764.3 (MANE Select); the canonical splice donor site of the intron after coding-DNA position 338, G replaced by A.
Molecular consequence: splice donor variant. On other transcripts: intron variant (2).
Genome position (GRCh38, 1-based): chr1:161,167,487, G>A. VCF-style: chr1-161167487-G-A. GRCh37 (hg19) VCF-style: chr1-161137277-G-A.
Other names: c.-149+1G>A (NM_001350130.2); c.353+1G>A (NM_001350128.2); c.-90+1G>A (NM_001350129.2); c.338+1G>A (NM_001365399.1, NM_000309.5, NM_001365398.1); c.-35+1G>A (NM_001350131.2); c.-90+253G>A (NM_001365400.1); c.-149+253G>A (NM_001365401.1).
Identifiers: ClinVar variation 834524 (VCV000834524.10), dbSNP rs1245369612, ClinGen allele CA343352996.

ClinVar aggregate classification (germline): Pathogenic (1 of 4 stars; one submission).

Allele frequency attached by ClinVar (database versions not stated): gnomAD exomes below 0.00001; TOPMed 0.00002.
gnomAD v4.1: 1 of 1,610,402 alleles (0.000062%); highest among the groups gnomAD compares: Non-Finnish European, 0.000085%; no homozygotes.

Submission:

Labcorp Genetics (formerly Invitae), Labcorp
Classification: Pathogenic. Last evaluated: 2024-02-03. Review status: criteria provided, single submitter. Criteria: Invitae Variant Classification Sherloc (09022015). Collection method: clinical testing. Allele origin: germline.
Comment: This sequence change affects a donor splice site in intron 4 of the PPOX gene. It is expected to disrupt RNA splicing. Variants that disrupt the donor or acceptor splice site typically lead to a loss of protein function (PMID: 16199547), and loss-of-function variants in PPOX are known to be pathogenic (PMID: 10486317). This variant is not present in population databases (gnomAD no frequency). Disruption of this splice site has been observed in individuals with PPOX-related conditions (PMID: 11348478; Invitae). This variant is also known as 333+1G>A. ClinVar contains an entry for this variant (Variation ID: 834524). Algorithms developed to predict the effect of sequence changes on RNA splicing suggest that this variant may disrupt the consensus splice site. For these reasons, this variant has been classified as Pathogenic.

Literature cited by the submitters: PubMed 16199547; PubMed 10486317; PubMed 11348478.